The following is an entry in ClinVar:

ClinVar aggregate classification (germline): Uncertain significance. Review status: criteria provided, multiple submitters, no conflicts (2 of 4 stars). 2 submissions from 2 submitters: Uncertain significance (2). Last evaluated 2025-03-27.

Conditions:
Inborn genetic diseases. Identifiers: MedGen C0950123, MeSH D030342.

Submissions (2):

Ambry Genetics
Classification: Uncertain significance for Inborn genetic diseases. Last evaluated: 2025-03-27. Review status: criteria provided, single submitter. Criteria: Ambry Variant Classification Scheme 2023. Collection method: clinical testing. Allele origin: germline.
Comment: The p.I310T variant (also known as c.929T>C), located in coding exon 1 of the SAMD9 gene, results from a T to C substitution at nucleotide position 929. The isoleucine at codon 310 is replaced by threonine, an amino acid with similar properties. This amino acid position is conserved. In addition, this alteration is predicted to be tolerated by in silico analysis. Based on the available evidence, the clinical significance of this variant remains unclear.

Labcorp Genetics (formerly Invitae), Labcorp
Classification: Uncertain significance. Last evaluated: 2025-01-13. Review status: criteria provided, single submitter. Criteria: Invitae Variant Classification Sherloc (09022015). Collection method: clinical testing. Allele origin: germline.
Comment: This sequence change replaces isoleucine, which is neutral and non-polar, with threonine, which is neutral and polar, at codon 310 of the SAMD9 protein (p.Ile310Thr). This variant is not present in population databases (gnomAD no frequency). This variant has not been reported in the literature in individuals affected with SAMD9-related conditions. Invitae Evidence Modeling of protein sequence and biophysical properties (such as structural, functional, and spatial information, amino acid conservation, physicochemical variation, residue mobility, and thermodynamic stability) indicates that this missense variant is not expected to disrupt SAMD9 protein function with a negative predictive value of 95%. In summary, the available evidence is currently insufficient to determine the role of this variant in disease. Therefore, it has been classified as a Variant of Uncertain Significance.

NM_017654.4(SAMD9):c.929T>C (p.Ile310Thr)

Gene: SAMD9 (sterile alpha motif domain containing 9; minus strand). Cytogenetic location: 7q21.2.
Variant type: single nucleotide variant.
Coding change: c.929T>C on transcript NM_017654.4 (MANE Select); coding-DNA position 929, T replaced by C.
Protein change: p.Ile310Thr; replaces isoleucine 310 with threonine.
Molecular consequence: missense variant.
Genome position (GRCh38, 1-based): chr7:93,105,169, A>G on the plus strand (T>C on the coding strand, the complement: SAMD9 is on the minus strand). VCF-style: chr7-93105169-A-G. GRCh37 (hg19) VCF-style: chr7-92734482-A-G.
Other names: c.929T>C (NM_017654.3); c.929T>C, p.Ile310Thr (NM_001193307.2); short protein forms I310T.
Identifiers: ClinVar variation 3678484 (VCV003678484.3).